The following is an entry in ClinVar:

NM_001291867.2(NHS):c.1574C>G (p.Pro525Arg)

Gene: NHS (NHS actin remodeling regulator; plus strand). Cytogenetic location: Xp22.13.
Variant type: single nucleotide variant.
Coding change: c.1574C>G on transcript NM_001291867.2 (MANE Select); coding-DNA position 1574, C replaced by G.
Protein change: p.Pro525Arg; replaces proline 525 with arginine.
Molecular consequence: missense variant.
Genome position (GRCh38, 1-based): chrX:17,725,680, C>G. VCF-style: chrX-17725680-C-G. GRCh37 (hg19) VCF-style: chrX-17743800-C-G.
Other names: c.1043C>G, p.Pro348Arg (NM_001136024.4); c.980C>G, p.Pro327Arg (NM_001291868.2); c.1511C>G, p.Pro504Arg (NM_198270.4); short protein forms P348R, P525R, P504R, P327R.
Identifiers: ClinVar variation 2764596 (VCV002764596.3), dbSNP rs374044909, ClinGen allele CA412352336.

ClinVar aggregate classification (germline): Uncertain significance (1 of 4 stars; one submission).

Conditions:
Nance-Horan syndrome (NHS). Identifiers: Orphanet 627, MedGen C0796085, MONDO:0010545, OMIM 302350.

Submission:

Labcorp Genetics (formerly Invitae), Labcorp
Classification: Uncertain significance for Nance-Horan syndrome. Last evaluated: 2023-09-30. Review status: criteria provided, single submitter. Criteria: Invitae Variant Classification Sherloc (09022015). Collection method: clinical testing. Allele origin: germline.
Comment: This sequence change replaces proline, which is neutral and non-polar, with arginine, which is basic and polar, at codon 504 of the NHS protein (p.Pro504Arg). In summary, the available evidence is currently insufficient to determine the role of this variant in disease. Therefore, it has been classified as a Variant of Uncertain Significance. Advanced modeling of protein sequence and biophysical properties (such as structural, functional, and spatial information, amino acid conservation, physicochemical variation, residue mobility, and thermodynamic stability) performed at Invitae indicates that this missense variant is not expected to disrupt NHS protein function. This variant has not been reported in the literature in individuals affected with NHS-related conditions. This variant is not present in population databases (gnomAD no frequency).